The following is an entry in ClinVar:

NM_006231.4(POLE):c.-6G>C

Genes: POLE (DNA polymerase epsilon, catalytic subunit; minus strand), LOC130009266 (ATAC-STARR-seq lymphoblastoid silent region 5123; plus strand). Cytogenetic location: 12q24.33.
Variant type: single nucleotide variant.
Coding change: c.-6G>C on transcript NM_006231.4 (MANE Select); 6 bases upstream of the start codon, G replaced by C.
Molecular consequence: 5 prime UTR variant.
Genome position (GRCh38, 1-based): chr12:132,687,321, C>G on the plus strand (G>C on the coding strand, the complement: POLE is on the minus strand). VCF-style: chr12-132687321-C-G. GRCh37 (hg19) VCF-style: chr12-133263907-C-G.
Identifiers: ClinVar variation 421456 (VCV000421456.17), dbSNP rs534524789, ClinGen allele CA16619488.

ClinVar aggregate classification (germline): Conflicting classifications of pathogenicity. Review status: criteria provided, conflicting classifications (1 of 4 stars). 5 submissions from 5 submitters: Uncertain significance (3); Likely benign (2). Last evaluated 2025-03-04.

Allele frequency attached by ClinVar (database versions not stated): TOPMed 0.00004.
gnomAD v4.1: 37 of 1,499,518 alleles (0.0025%); highest among the groups gnomAD compares: South Asian, 0.012%; 1 homozygote.

Submissions (5):

Center for Genomic Medicine, Rigshospitalet, Copenhagen University Hospital
Classification: Likely benign. Last evaluated: 2025-03-04. Review status: criteria provided, single submitter. Criteria: ACMG Guidelines, 2015. Collection method: clinical testing. Allele origin: germline.

Blueprint Genetics
Classification: Likely benign. Last evaluated: 2022-07-14. Review status: criteria provided, single submitter. Criteria: ACMG Guidelines, 2015. Collection method: clinical testing. Allele origin: germline.

Genetic Services Laboratory, University of Chicago
Classification: Uncertain significance. Last evaluated: 2020-08-27. Review status: criteria provided, single submitter. Criteria: ACMG Guidelines, 2015. Collection method: clinical testing. Allele origin: germline. Affected: no.

GeneDx
Classification: Uncertain significance. Last evaluated: 2019-10-08. Review status: criteria provided, single submitter. Criteria: GeneDx Variant Classification Process June 2021. Collection method: clinical testing. Allele origin: germline. Affected: yes.
Comment: Nucleotide substitution has no predicted effect on splicing and is not conserved across species; Has not been previously published as pathogenic or benign to our knowledge

Quest Diagnostics Nichols Institute San Juan Capistrano
Classification: Uncertain significance. Last evaluated: 2019-06-23. Review status: criteria provided, single submitter. Criteria: Quest Diagnostics criteria. Collection method: clinical testing. Allele origin: germline.